The following is an entry in ClinVar:

NM_014795.4(ZEB2):c.553C>A (p.Arg185Ser)

Genes: ZEB2 (zinc finger E-box binding homeobox 2; minus strand), LOC111721705 (skeletal muscle cis-regulatory module overlapping ZEB2; plus strand). Cytogenetic location: 2q22.3.
Variant type: single nucleotide variant.
Coding change: c.553C>A on transcript NM_014795.4 (MANE Select); coding-DNA position 553, C replaced by A.
Protein change: p.Arg185Ser; replaces arginine 185 with serine.
Molecular consequence: missense variant.
Genome position (GRCh38, 1-based): chr2:144,404,875, G>T on the plus strand (C>A on the coding strand, the complement: ZEB2 is on the minus strand). VCF-style: chr2-144404875-G-T. GRCh37 (hg19) VCF-style: chr2-145162442-G-T.
Other names: c.481C>A, p.Arg161Ser (NM_001171653.2); short protein forms R185S, R161S.
Identifiers: ClinVar variation 5003080 (VCV005003080.1).

ClinVar aggregate classification (germline): Uncertain significance (1 of 4 stars; one submission).

Conditions:
Mowat-Wilson syndrome (MOWS). Also called: Classic Mowat-Wilson Syndrome. Identifiers: Orphanet 2152, MedGen C1856113, MONDO:0009341, OMIM 235730.

Submission:

OLLIN Analises Genomicas, OLLIN
Classification: Uncertain significance for Mowat-Wilson syndrome. Last evaluated: 2026-08-06. Review status: criteria provided, single submitter. Criteria: ACMG Guidelines 2015 PMID 25741868. Collection method: clinical testing. Allele origin: germline. Inheritance: Autosomal dominant inheritance.
Comment: This missense variant, located in exon 5 (of 10), is absent from gnomAD and has not been identified in the literature. However, it has been reported in ClinVar (accession VCV003645756.2). In silico analysis is inconclusive regarding the impact of this variant. This gene is constrained for missense variation. According to the currently available evidence, this variant has been classified as uncertain significance (PM2_P, PP2).